The following is an entry in ClinVar:

NM_001370259.2(MEN1):c.1549A>G (p.Lys517Glu)

Gene: MEN1 (menin 1; minus strand). Cytogenetic location: 11q13.1.
Variant type: single nucleotide variant.
Coding change: c.1549A>G on transcript NM_001370259.2 (MANE Select); coding-DNA position 1549, A replaced by G.
Protein change: p.Lys517Glu; replaces lysine 517 with glutamic acid.
Molecular consequence: missense variant. On other transcripts: non-coding transcript variant (4).
Genome position (GRCh38, 1-based): chr11:64,804,618, T>C on the plus strand (A>G on the coding strand, the complement: MEN1 is on the minus strand). VCF-style: chr11-64804618-T-C. GRCh37 (hg19) VCF-style: chr11-64572090-T-C.
Other names: c.1444A>G, p.Lys482Glu (NM_001370263.2, NM_001407148.1, NM_001407149.1 and 1 more transcripts); c.1675A>G, p.Lys559Glu (NM_001407142.1, NM_001407143.1, NM_001407144.1 and 1 more transcripts); c.1564A>G, p.Lys522Glu (NM_001407145.1, NM_130800.3, NM_130801.3 and 4 more transcripts); c.1549A>G, p.Lys517Glu (NM_001407146.1, NM_001407147.1, NM_130799.3 and 2 more transcripts); c.1690A>G, p.Lys564Glu (NM_001407150.1); c.1570A>G, p.Lys524Glu (NM_001407151.1); c.1384A>G, p.Lys462Glu (NM_001407152.1); short protein forms K522E, K524E, K559E, K462E, K517E, K564E, K482E.
Identifiers: ClinVar variation 4106550 (VCV004106550.1).

ClinVar aggregate classification (germline): Uncertain significance (1 of 4 stars; one submission).

Conditions:
Hereditary cancer-predisposing syndrome. Also called: Tumor predisposition; Neoplastic Syndromes, Hereditary; Hereditary neoplastic syndrome; Hereditary Cancer Syndrome. Identifiers: Orphanet 140162, MedGen C0027672, MeSH D009386, MONDO:0015356.

gnomAD v4.1: 2 of 1,608,276 alleles (0.00012%); highest among the groups gnomAD compares: African/African-American, 0.0013%; no homozygotes.

Submission:

Ambry Genetics
Classification: Uncertain significance for Hereditary cancer-predisposing syndrome. Last evaluated: 2025-08-03. Review status: criteria provided, single submitter. Criteria: Ambry Variant Classification Scheme 2023. Collection method: clinical testing. Allele origin: germline.
Comment: The p.K517E variant (also known as c.1549A>G), located in coding exon 9 of the MEN1 gene, results from an A to G substitution at nucleotide position 1549. The lysine at codon 517 is replaced by glutamic acid, an amino acid with similar properties. This amino acid position is conserved. In addition, the in silico prediction for this alteration is inconclusive. Based on the available evidence, the clinical significance of this variant remains unclear.